The following is an entry in ClinVar:

ClinVar aggregate classification (germline): Likely benign (1 of 4 stars; one submission).

Allele frequency attached by ClinVar (database versions not stated): gnomAD exomes 0.00081; ExAC 0.00117; 1000 Genomes Project 30x 0.00203; 1000 Genomes Project 0.00220; gnomAD 0.00346 and 0.00380; TOPMed 0.00413; ESP Exome Variant Server 0.00441.
gnomAD v4.1: 889 of 1,378,922 alleles (0.064%); highest among the groups gnomAD compares: African/African-American, 1.2%; 3 homozygotes.

Submission:

GeneDx
Classification: Likely benign. Last evaluated: 2018-06-16. Review status: criteria provided, single submitter. Criteria: GeneDx Variant Classification (06012015). Collection method: clinical testing. Allele origin: germline. Affected: yes.
Comment: This variant is considered likely benign or benign based on one or more of the following criteria: it is a conservative change, it occurs at a poorly conserved position in the protein, it is predicted to be benign by multiple in silico algorithms, and/or has population frequency not consistent with disease.

NM_018429.3(BDP1):c.7240+22A>C

Gene: BDP1 (BDP1 general transcription factor IIIB subunit; plus strand). Cytogenetic location: 5q13.2.
Variant type: single nucleotide variant.
Coding change: c.7240+22A>C on transcript NM_018429.3 (MANE Select); 22 bases into the intron after coding-DNA position 7240, A replaced by C.
Molecular consequence: intron variant.
Genome position (GRCh38, 1-based): chr5:71,556,947, A>C. VCF-style: chr5-71556947-A-C. GRCh37 (hg19) VCF-style: chr5-70852774-A-C.
Identifiers: ClinVar variation 683305 (VCV000683305.1), dbSNP rs191407193, ClinGen allele CA3297473.
Genomic context (GRCh38, chr5:71,556,947, plus strand): 5'-TGCACTCAAAGGAATTAACAAATGTTTTTGAGGAAACAGGTAAGTGAAATACATTTTAAC[A>C]TGATTGCATTTTGCTAAATACTCCTGATTATTTGGGATATACCTTGTTCAAATATGAGAT-3'